The following is an entry in ClinVar:

ClinVar aggregate classification (germline): Uncertain significance (1 of 4 stars; one submission).

Conditions:
Spermatogenic failure 102. Identifiers: MedGen C6065962, MONDO:0980708, OMIM 621387.

Submission:

Juno Genomics, Hangzhou Juno Genomics, Inc
Classification: Uncertain significance for Spermatogenic failure 102. Review status: criteria provided, single submitter. Criteria: ACMG Guidelines, 2015. Collection method: clinical testing. Allele origin: germline. Affected: yes.
Comment: Absent from controls (or at extremely low frequency if recessive) in Genome Aggregation Database.;For recessive disorders, detected in trans with a pathogenic variant.;Patient's phenotype or family history is highly specific for a disease with a single genetic etiology.

NM_001031743.3(CFAP206):c.1092_1093del (p.Arg364fs)

Gene: CFAP206 (cilia and flagella associated protein 206; plus strand). Cytogenetic location: 6q15.
Variant type: Microsatellite.
Coding change: c.1092_1093del on transcript NM_001031743.3 (MANE Select); coding-DNA positions 1092 to 1093, 2 bases deleted (AG; older notation c.1092_1093delAG).
Protein change: p.Arg364fs; shifts the reading frame from arginine 364.
Molecular consequence: frameshift variant.
Genome position (GRCh38, 1-based): chr6:87,428,757-87,428,758, AG deleted; deleting any 2 consecutive bases within chr6:87,428,752-87,428,758 gives the same sequence; the c. name uses the placement nearest the transcript's 3' end. VCF-style (leftmost placement, unchanged base first): chr6-87428751-TGA-T. GRCh37 (hg19) VCF-style: chr6-88138469-TGA-T.
Other names: short protein forms R364fs.
Identifiers: ClinVar variation 5019918 (VCV005019918.1).
Genomic context (GRCh38, chr6:87,428,751, plus strand): 5'-CCTCAGTAATTTATTCACTCACATTCAGCCATTCTTGGGTGCTCACGAACTATACTTTCC[TGA>T]GAGAGTGATGCAATGTCATCTTAATGGAGCGACTGTGAAAACTGATGTGTGTAGAATGAA-3'